The following is an entry in ClinVar:

ClinVar aggregate classification (germline): Uncertain significance. Review status: criteria provided, multiple submitters, no conflicts (2 of 4 stars). 2 submissions from 2 submitters: Uncertain significance (2). Last evaluated 2024-10-24.

Allele frequency attached by ClinVar (database versions not stated): TOPMed 0.00002; gnomAD 0.00004; ExAC 0.00005; gnomAD exomes 0.00006; 1000 Genomes Project 30x 0.00016; 1000 Genomes Project 0.00020.
gnomAD v4.1: 147 of 1,611,532 alleles (0.0091%); highest among the groups gnomAD compares: East Asian, 0.27%; no homozygotes.

Submissions (2):

Labcorp Genetics (formerly Invitae), Labcorp
Classification: Uncertain significance. Last evaluated: 2024-10-24. Review status: criteria provided, single submitter. Criteria: Invitae Variant Classification Sherloc (09022015). Collection method: clinical testing. Allele origin: germline.
Comment: This sequence change affects codon 258 of the SLC6A19 mRNA. It is a 'silent' change, meaning that it does not change the encoded amino acid sequence of the SLC6A19 protein. It affects a nucleotide within the consensus splice site. This variant is present in population databases (rs530637394, gnomAD 0.03%). This variant has not been reported in the literature in individuals affected with SLC6A19-related conditions. ClinVar contains an entry for this variant (Variation ID: 1499681). Algorithms developed to predict the effect of sequence changes on RNA splicing suggest that this variant is not likely to affect RNA splicing. In summary, the available evidence is currently insufficient to determine the role of this variant in disease. Therefore, it has been classified as a Variant of Uncertain Significance.

Breakthrough Genomics
Classification: Uncertain significance. Review status: criteria provided, single submitter. Criteria: ACMG Guidelines, 2015. Collection method: not provided. Allele origin: germline. Inheritance: Autosomal recessive inheritance. Affected: yes.

NM_001003841.3(SLC6A19):c.774C>T (p.Asn258=)

Gene: SLC6A19 (solute carrier family 6 member 19; plus strand). Cytogenetic location: 5p15.33.
Variant type: single nucleotide variant.
Coding change: c.774C>T on transcript NM_001003841.3 (MANE Select); coding-DNA position 774, C replaced by T.
Protein change: p.Asn258=; no amino-acid change (asparagine 258 retained).
Molecular consequence: synonymous variant.
Genome position (GRCh38, 1-based): chr5:1,213,573, C>T. VCF-style: chr5-1213573-C-T. GRCh37 (hg19) VCF-style: chr5-1213688-C-T.
Identifiers: ClinVar variation 1499681 (VCV001499681.8), dbSNP rs530637394, ClinGen allele CA3182864.